The following is an entry in ClinVar:

ClinVar aggregate classification (germline): Uncertain significance. Review status: criteria provided, multiple submitters, no conflicts (2 of 4 stars). 2 submissions from 2 submitters: Uncertain significance (2). Last evaluated 2023-10-30.

Conditions:
Inborn genetic diseases. Identifiers: MedGen C0950123, MeSH D030342.
Deficiency of beta-ureidopropionase (UPB1D). Also called: Beta-ureidopropionase deficiency. Identifiers: Orphanet 65287, MedGen C1291512, MONDO:0013164, OMIM 613161.

Allele frequency attached by ClinVar (database versions not stated): gnomAD exomes 0.00001 and 0.00002; ExAC 0.00002; gnomAD 0.00005 and 0.00006; ESP Exome Variant Server 0.00008; TOPMed 0.00008.

Submissions (2):

Ambry Genetics
Classification: Uncertain significance for Inborn genetic diseases. Last evaluated: 2023-10-30. Review status: criteria provided, single submitter. Criteria: Ambry Variant Classification Scheme 2023. Collection method: clinical testing. Allele origin: germline.

New York Genome Center
Classification: Uncertain significance for Deficiency of beta-ureidopropionase. Last evaluated: 2021-04-22. Review status: criteria provided, single submitter. Criteria: NYGC Assertion Criteria 2020. Collection method: clinical testing. Allele origin: inherited. Observed: 1 compound heterozygote. Study: CSER-NYCKidSeq.
Comment: The inherited heterozygous c.732G>A (p.Met244Ile) missense variant identified in the UPB1 gene has not been reported in affected individuals in the literature. The variant has 0.00004600 allele frequency in the gnomAD(v3) database (7out of 152,166 heterozygous alleles, no homozygotes) suggesting it is not a common benign variant in the populations represented in that database. In silico tools provide conflicting predictions about potential pathogenicity of this variant. Based on the available evidence, the inherited c.732G>A (p.Met244Ile)missense variant identified in the UPB1 gene is reported as a variant of uncertain significance.

NM_016327.3(UPB1):c.732G>A (p.Met244Ile)

Gene: UPB1 (beta-ureidopropionase 1; plus strand). Cytogenetic location: 22q11.23.
Variant type: single nucleotide variant.
Coding change: c.732G>A on transcript NM_016327.3 (MANE Select); coding-DNA position 732, G replaced by A.
Protein change: p.Met244Ile; replaces methionine 244 with isoleucine.
Molecular consequence: missense variant.
Genome position (GRCh38, 1-based): chr22:24,515,311, G>A. VCF-style: chr22-24515311-G-A. GRCh37 (hg19) VCF-style: chr22-24911279-G-A.
Other names: short protein forms M244I.
Identifiers: ClinVar variation 1342512 (VCV001342512.2), dbSNP rs150690829, ClinGen allele CA10153320.